The following is an entry in ClinVar:

ClinVar aggregate classification (germline): Pathogenic/Likely pathogenic. Review status: criteria provided, multiple submitters, no conflicts (2 of 4 stars). 2 submissions from 2 submitters: Pathogenic (1); Likely pathogenic (1). Last evaluated 2026-03-25.

Conditions:
Pheochromocytoma/paraganglioma syndrome 2. Also called: GLOMUS TUMORS, FAMILIAL, 2; Paragangliomas 2; SDHAF2-Related Hereditary Paraganglioma-Pheochromocytoma Syndrome (Paragangliomas 2); SDHAF2-Related Hereditary Paraganglioma-Pheochromocytoma Syndrome. Identifiers: Orphanet 29072, MedGen C1866552, MONDO:0011121, OMIM 601650.

Submissions (2):

Myriad Genetics, Inc.
Classification: Pathogenic for Pheochromocytoma/paraganglioma syndrome 2. Last evaluated: 2026-03-25. Review status: criteria provided, single submitter. Criteria: Myriad Autosomal Dominant, Autosomal Recessive and X-Linked Classification Criteria (2023). Collection method: clinical testing. Allele origin: unknown.
Comment: This variant is considered pathogenic. This variant creates a termination codon and is predicted to result in premature protein truncation.

Quest Diagnostics Nichols Institute San Juan Capistrano
Classification: Likely pathogenic. Last evaluated: 2024-01-10. Review status: criteria provided, single submitter. Criteria: Quest Diagnostics criteria. Collection method: clinical testing. Allele origin: unknown.
Comment: The SDHAF2 c.29C>A (p.Ser10*) variant is predicted to cause the premature termination of SDHAF2 protein synthesis. This variant has not been reported in individuals with SDHAF2-related conditions in the published literature. This variant has not been reported in large, multi-ethnic general populations (Genome Aggregation Database). Based on the available information, this variant is classified as likely pathogenic.

NM_017841.4(SDHAF2):c.29C>A (p.Ser10Ter)

Gene: SDHAF2 (succinate dehydrogenase complex assembly factor 2; plus strand). Cytogenetic location: 11q12.2.
Variant type: single nucleotide variant.
Coding change: c.29C>A on transcript NM_017841.4 (MANE Select); coding-DNA position 29, C replaced by A.
Protein change: p.Ser10Ter; replaces serine 10 with a stop codon.
Molecular consequence: nonsense.
Genome position (GRCh38, 1-based): chr11:61,430,175, C>A. VCF-style: chr11-61430175-C-A. GRCh37 (hg19) VCF-style: chr11-61197647-C-A.
Other names: short protein forms S10*.
Identifiers: ClinVar variation 3572276 (VCV003572276.2).
Genomic context (GRCh38, chr11:61,430,175, plus strand): 5'-CGCGCAGCCGGTTTCCGGTGCAGGTGGGGAAAATGGCGGTGTCTACAGTGTTCTCGACTT[C>A]GTCGCTGGTGAGGAGAGAGAACGTTCTAGCGTCCGGGGCGGGCGGCAGCGGGGATTACCC-3'